The following is an entry in ClinVar:

NM_000179.3(MSH6):c.3858C>T (p.Leu1286=)

Gene: MSH6 (mutS homolog 6; plus strand). Cytogenetic location: 2p16.3.
Variant type: single nucleotide variant.
Coding change: c.3858C>T on transcript NM_000179.3 (MANE Select); coding-DNA position 3858, C replaced by T.
Protein change: p.Leu1286=; no amino-acid change (leucine 1286 retained).
Molecular consequence: synonymous variant.
Genome position (GRCh38, 1-based): chr2:47,806,508, C>T. VCF-style: chr2-47806508-C-T. GRCh37 (hg19) VCF-style: chr2-48033647-C-T.
Other names: c.2952C>T, p.Leu984= (NM_001281493.2, NM_001281494.2); c.3468C>T, p.Leu1156= (NM_001281492.2).
Identifiers: ClinVar variation 798779 (VCV000798779.15), dbSNP rs1553333468, ClinGen allele CA426122125.
Genomic context (GRCh38, chr2:47,806,508, plus strand): 5'-TAAGGCATGCATGGTAGAAAATGAATGTGAAGACCCCAGCCAGGAGACTATTACGTTCCT[C>T]TATAAATTCATTAAGGGAGCTTGTCCTAAAAGCTATGGCTTTAATGCAGCAAGGCTTGCT-3'
Protein context (NP_000170.1, residues 1276-1296): EDPSQETITF[Leu1286=]YKFIKGACPK

ClinVar aggregate classification (germline): Benign/Likely benign. Review status: criteria provided, multiple submitters, no conflicts (2 of 4 stars). 4 submissions from 4 submitters: Benign (1); Likely benign (3). Last evaluated 2025-01-15.

Conditions:
Lynch syndrome. Identifiers: Orphanet 144, MedGen C4552100, MONDO:0005835. Disease mechanism: loss of function.
Hereditary cancer-predisposing syndrome. Also called: Tumor predisposition; Neoplastic Syndromes, Hereditary; Hereditary Cancer Syndrome; Hereditary neoplastic syndrome. Identifiers: Orphanet 140162, MedGen C0027672, MeSH D009386, MONDO:0015356.
Lynch syndrome 5 (LYNCH5). Also called: Hereditary non-polyposis colorectal cancer, type 5; Colorectal cancer, hereditary nonpolyposis, type 5. Identifiers: Orphanet 144, MedGen C1833477, MONDO:0013710, OMIM 614350. Disease mechanism: loss of function.
Hereditary nonpolyposis colorectal neoplasms. Identifiers: MedGen C0009405, MeSH D003123.

Submissions (4):

Labcorp Genetics (formerly Invitae), Labcorp
Classification: Likely benign for Hereditary nonpolyposis colorectal neoplasms. Last evaluated: 2025-01-15. Review status: criteria provided, single submitter. Criteria: Invitae Variant Classification Sherloc (09022015). Collection method: clinical testing. Allele origin: germline.

Myriad Genetics, Inc.
Classification: Benign for Lynch syndrome 5. Last evaluated: 2025-01-08. Review status: criteria provided, single submitter. Criteria: Myriad Autosomal Dominant, Autosomal Recessive and X-Linked Classification Criteria (2023). Collection method: clinical testing. Allele origin: unknown.
Comment: This variant is considered benign. This variant is a silent/synonymous amino acid change and it is not expected to impact splicing.

Ambry Genetics
Classification: Likely benign for Hereditary cancer-predisposing syndrome. Last evaluated: 2023-08-25. Review status: criteria provided, single submitter. Criteria: Ambry Variant Classification Scheme 2023. Collection method: clinical testing. Allele origin: germline.

All of Us Research Program, National Institutes of Health
Classification: Likely benign for Lynch syndrome. Last evaluated: 2023-05-16. Review status: criteria provided, single submitter. Criteria: ACMG Guidelines, 2015. Collection method: clinical testing. Allele origin: germline. Inheritance: Autosomal dominant inheritance. Observed: 1 variant allele, 1 heterozygote.
Comment: This study involves interpretation of variants in research participants for the purpose of population health screening. Participant phenotype was not available at the time of variant classification. Additional details can be found in publication PMID: 35346344, PMCID: PMC8962531